The following is an entry in ClinVar:

NM_002016.2(FLG):c.9840_9841del (p.Glu3280fs)

Genes: CCDST (cervical cancer associated DHX9 suppressive transcript; plus strand), FLG (filaggrin; minus strand). Cytogenetic location: 1q21.3.
Variant type: Microsatellite.
Coding change: c.9840_9841del on transcript NM_002016.2 (MANE Select); coding-DNA positions 9840 to 9841, 2 bases deleted (GA; older notation c.9840_9841delGA).
Protein change: p.Glu3280fs; shifts the reading frame from glutamic acid 3280.
Molecular consequence: frameshift variant.
Genome position (GRCh38, 1-based): chr1:152,305,045-152,305,046, TC deleted on the plus strand (GA on the coding strand, the reverse complement: FLG is on the minus strand); deleting any 2 consecutive bases within chr1:152,305,045-152,305,049 gives the same sequence; the c. name uses the placement nearest the transcript's 3' end. VCF-style (leftmost placement, unchanged base first): chr1-152305044-GTC-G. GRCh37 (hg19) VCF-style: chr1-152277520-GTC-G.
Other names: short protein forms E3280fs.
Identifiers: ClinVar variation 5019737 (VCV005019737.2).

ClinVar aggregate classification (germline): Uncertain significance (1 of 4 stars; one submission).

Conditions:
Dermatitis, atopic, 2. Identifiers: MedGen C1853965, MONDO:0011596, OMIM 605803.
Ichthyosis vulgaris. Also called: ICHTHYOSIS SIMPLEX; Dominant ichthyosis vulgaris. Identifiers: MedGen C0079584, MONDO:0024304, OMIM 146700.

Submission:

Juno Genomics, Hangzhou Juno Genomics, Inc
Classification: Uncertain significance for Dermatitis, atopic, 2; Ichthyosis vulgaris. Review status: criteria provided, single submitter. Criteria: ACMG Guidelines, 2015. Collection method: clinical testing. Allele origin: germline.
Comment: Absent from controls (or at extremely low frequency if recessive) in Genome Aggregation Database.;Null variant in a gene where loss of function (LOF) is a known mechanism of disease.